The following is an entry in ClinVar:

NM_000222.3(KIT):c.15C>T (p.Arg5=)

Gene: KIT (KIT proto-oncogene, receptor tyrosine kinase; plus strand). Cytogenetic location: 4q12.
Variant type: single nucleotide variant.
Coding change: c.15C>T on transcript NM_000222.3 (MANE Select); coding-DNA position 15, C replaced by T.
Protein change: p.Arg5=; no amino-acid change (arginine 5 retained).
Molecular consequence: synonymous variant.
Genome position (GRCh38, 1-based): chr4:54,658,029, C>T. VCF-style: chr4-54658029-C-T. GRCh37 (hg19) VCF-style: chr4-55524196-C-T.
Other names: c.15C>T, p.Arg5= (NM_001093772.2, NM_001385284.1, NM_001385285.1 and 4 more transcripts); c.15C>T (NM_000222.2).
Identifiers: ClinVar variation 1140875 (VCV001140875.14), dbSNP rs1357038342, ClinGen allele CA439290312.

ClinVar aggregate classification (germline): Benign/Likely benign. Review status: criteria provided, multiple submitters, no conflicts (2 of 4 stars). 4 submissions from 4 submitters: Benign (1); Likely benign (2). 1 of the submissions does not count toward it. Last evaluated 2026-06-02.

Conditions:
Hereditary cancer-predisposing syndrome. Also called: Tumor predisposition; Hereditary Cancer Syndrome; Hereditary neoplastic syndrome; Neoplastic Syndromes, Hereditary. Identifiers: Orphanet 140162, MedGen C0027672, MeSH D009386, MONDO:0015356.
Gastrointestinal stromal tumor. Also called: Gastrointestinal stroma tumor; Gastrointestinal stromal tumor, somatic. Identifiers: Orphanet 44890, MedGen C0238198, MeSH D046152, MONDO:0011719, OMIM 606764, HP:0100723.
KIT-related disorder. Also called: KIT-related condition.

gnomAD v4.1: 1 of 1,613,898 alleles (0.000062%); highest among the groups gnomAD compares: South Asian, 0.0011%; no homozygotes.

Submissions (4):

Myriad Genetics, Inc.
Classification: Benign for Gastrointestinal stromal tumor. Last evaluated: 2026-06-02. Review status: criteria provided, single submitter. Criteria: Myriad Autosomal Dominant, Autosomal Recessive and X-Linked Classification Criteria (2023). Collection method: clinical testing. Allele origin: unknown.
Comment: This variant is considered benign. This variant is a silent/synonymous amino acid change and it is not expected to impact splicing.

Labcorp Genetics (formerly Invitae), Labcorp
Classification: Likely benign for Gastrointestinal stromal tumor. Last evaluated: 2025-12-01. Review status: criteria provided, single submitter. Criteria: Invitae Variant Classification Sherloc (09022015). Collection method: clinical testing. Allele origin: germline.

Ambry Genetics
Classification: Likely benign for Hereditary cancer-predisposing syndrome. Last evaluated: 2023-01-08. Review status: criteria provided, single submitter. Criteria: Ambry Variant Classification Scheme 2023. Collection method: clinical testing. Allele origin: germline.

PreventionGenetics, part of Exact Sciences
Classification: Likely benign for KIT-related condition. Last evaluated: 2019-05-20. Review status: no assertion criteria provided. Collection method: clinical testing. Allele origin: germline. Not counted in ClinVar's aggregate classification.
Comment: This variant is classified as likely benign based on ACMG/AMP sequence variant interpretation guidelines (Richards et al. 2015 PMID: 25741868, with internal and published modifications).